The following is an entry in ClinVar:

ClinVar aggregate classification (germline): Uncertain significance (1 of 4 stars; one submission).

Conditions:
Developmental and epileptic encephalopathy, 34 (DEE34). Also called: Early infantile epileptic encephalopathy 34; SLC12A5-Related Epilepsy of Infancy with Migrating Focal Seizures. Identifiers: Orphanet 293181, MedGen C4225257, MONDO:0014718, OMIM 616645.

Allele frequency attached by ClinVar (database versions not stated): ExAC 0.00001; gnomAD 0.00001; gnomAD exomes 0.00001; TOPMed 0.00002.
gnomAD v4.1: 10 of 1,613,158 alleles (0.00062%); highest among the groups gnomAD compares: East Asian, 0.0067%; no homozygotes.

Submission:

Labcorp Genetics (formerly Invitae), Labcorp
Classification: Uncertain significance for Developmental and epileptic encephalopathy, 34. Last evaluated: 2022-10-13. Review status: criteria provided, single submitter. Criteria: Invitae Variant Classification Sherloc (09022015). Collection method: clinical testing. Allele origin: germline.
Comment: This sequence change falls in intron 8 of the SLC12A5 gene. It does not directly change the encoded amino acid sequence of the SLC12A5 protein. It affects a nucleotide within the consensus splice site. This variant is present in population databases (rs762620630, gnomAD 0.007%). This variant has not been reported in the literature in individuals affected with SLC12A5-related conditions. Variants that disrupt the consensus splice site are a relatively common cause of aberrant splicing (PMID: 17576681, 9536098). Algorithms developed to predict the effect of sequence changes on RNA splicing suggest that this variant is not likely to affect RNA splicing. In summary, the available evidence is currently insufficient to determine the role of this variant in disease. Therefore, it has been classified as a Variant of Uncertain Significance.

Literature cited by the submitters: PubMed 17576681; PubMed 9536098.

NM_020708.5(SLC12A5):c.1066+6C>T

Gene: SLC12A5 (solute carrier family 12 member 5; plus strand). Cytogenetic location: 20q13.12.
Variant type: single nucleotide variant.
Coding change: c.1066+6C>T on transcript NM_020708.5 (MANE Select); 6 bases into the intron after coding-DNA position 1066, C replaced by T.
Molecular consequence: intron variant.
Genome position (GRCh38, 1-based): chr20:46,041,546, C>T. VCF-style: chr20-46041546-C-T. GRCh37 (hg19) VCF-style: chr20-44670185-C-T.
Other names: c.1135+6C>T (NM_001134771.2).
Identifiers: ClinVar variation 2175569 (VCV002175569.1), dbSNP rs762620630, ClinGen allele CA9887211.